The following is an entry in ClinVar:

ClinVar aggregate classification (germline): Uncertain significance (1 of 4 stars; one submission).

gnomAD v4.1: 3 of 1,613,918 alleles (0.00019%); highest among the groups gnomAD compares: African/African-American, 0.004%; no homozygotes.

Submission:

Labcorp Genetics (formerly Invitae), Labcorp
Classification: Uncertain significance. Last evaluated: 2024-08-14. Review status: criteria provided, single submitter. Criteria: Invitae Variant Classification Sherloc (09022015). Collection method: clinical testing. Allele origin: germline.
Comment: This sequence change replaces isoleucine, which is neutral and non-polar, with methionine, which is neutral and non-polar, at codon 314 of the MYH3 protein (p.Ile314Met). This variant is present in population databases (no rsID available, gnomAD 0.007%). This variant has not been reported in the literature in individuals affected with MYH3-related conditions. Invitae Evidence Modeling of protein sequence and biophysical properties (such as structural, functional, and spatial information, amino acid conservation, physicochemical variation, residue mobility, and thermodynamic stability) indicates that this missense variant is not expected to disrupt MYH3 protein function with a negative predictive value of 95%. In summary, the available evidence is currently insufficient to determine the role of this variant in disease. Therefore, it has been classified as a Variant of Uncertain Significance.

NM_002470.4(MYH3):c.942T>G (p.Ile314Met)

Gene: MYH3 (myosin heavy chain 3; minus strand). Cytogenetic location: 17p13.1.
Variant type: single nucleotide variant.
Coding change: c.942T>G on transcript NM_002470.4 (MANE Select); coding-DNA position 942, T replaced by G.
Protein change: p.Ile314Met; replaces isoleucine 314 with methionine.
Molecular consequence: missense variant.
Genome position (GRCh38, 1-based): chr17:10,645,989, A>C on the plus strand (T>G on the coding strand, the complement: MYH3 is on the minus strand). VCF-style: chr17-10645989-A-C. GRCh37 (hg19) VCF-style: chr17-10549306-A-C.
Other names: short protein forms I314M.
Identifiers: ClinVar variation 3703265 (VCV003703265.2).